The following is an entry in ClinVar:

NM_001033047.3(NPNT):c.477G>C (p.Gln159His)

Gene: NPNT (nephronectin; plus strand). Cytogenetic location: 4q24.
Variant type: single nucleotide variant.
Coding change: c.477G>C on transcript NM_001033047.3 (MANE Select); coding-DNA position 477, G replaced by C.
Protein change: p.Gln159His; replaces glutamine 159 with histidine.
Molecular consequence: missense variant.
Genome position (GRCh38, 1-based): chr4:105,938,392, G>C. VCF-style: chr4-105938392-G-C. GRCh37 (hg19) VCF-style: chr4-106859549-G-C.
Other names: c.528G>C, p.Gln176His (NM_001184690.2); c.567G>C, p.Gln189His (NM_001184691.2, NM_001184693.2); c.477G>C, p.Gln159His (NM_001184692.2); short protein forms Q159H, Q176H, Q189H.
Identifiers: ClinVar variation 3900046 (VCV003900046.1).
Genomic context (GRCh38, chr4:105,938,392, plus strand): 5'-GTATGGCTGTGATGTTGTTAAAGGACAAATACGGTGCCAGTGCCCATCCCCTGGCCTGCA[G>C]CTGGCTCCTGATGGGAGGACCTGTGTAGGTGAGTTGTAAAATCAAGCATCTCTGTCAGCA-3'
Protein context (NP_001028219.1, residues 149-169): IRCQCPSPGL[Gln159His]LAPDGRTCVD

ClinVar aggregate classification (germline): drug response (0 of 4 stars; one submission).

Conditions:
Thalidomide response. Identifiers: MedGen CN297989.

gnomAD v4.1: 516,008 of 1,612,206 alleles (32%); highest among the groups gnomAD compares: African/African-American, 42%; 84,426 homozygotes.

Submission:

Rare Diseases Genetics and Genomics, Islamia College Peshawar
Classification: drug response for Thalidomide response. Review status: no assertion criteria provided. Collection method: research. Allele origin: germline. Affected: yes.
Comment: this variant was associated with excellent response to thalidomide (achieving transfusion independence)